The following is an entry in ClinVar:

NM_205836.3(FBXO38):c.1329C>A (p.Asp443Glu)

Gene: FBXO38 (F-box protein 38; plus strand). Cytogenetic location: 5q32.
Variant type: single nucleotide variant.
Coding change: c.1329C>A on transcript NM_205836.3 (MANE Select); coding-DNA position 1329, C replaced by A.
Protein change: p.Asp443Glu; replaces aspartic acid 443 with glutamic acid.
Molecular consequence: missense variant.
Genome position (GRCh38, 1-based): chr5:148,415,992, C>A. VCF-style: chr5-148415992-C-A. GRCh37 (hg19) VCF-style: chr5-147795555-C-A.
Other names: c.1329C>A, p.Asp443Glu (NM_001271723.2, NM_030793.5); short protein forms D443E.
Identifiers: ClinVar variation 578320 (VCV000578320.10), dbSNP rs770394960, ClinGen allele CA3497257.

ClinVar aggregate classification (germline): Uncertain significance (1 of 4 stars; one submission).

Conditions:
Distal hereditary motor neuropathy type 2. Identifiers: Orphanet 139525, MedGen C3711384, MeSH C580044, MONDO:0015352.

gnomAD v4.1: 43 of 1,613,266 alleles (0.0027%); highest among the groups gnomAD compares: Non-Finnish European, 0.0036%; no homozygotes.

Submission:

Labcorp Genetics (formerly Invitae), Labcorp
Classification: Uncertain significance for Distal hereditary motor neuropathy type 2. Last evaluated: 2018-06-21. Review status: criteria provided, single submitter. Criteria: Invitae Variant Classification Sherloc (09022015). Collection method: clinical testing. Allele origin: germline.
Comment: This sequence change replaces aspartic acid with glutamic acid at codon 443 of the FBXO38 protein (p.Asp443Glu). The aspartic acid residue is moderately conserved and there is a small physicochemical difference between aspartic acid and glutamic acid. In summary, the available evidence is currently insufficient to determine the role of this variant in disease. Therefore, it has been classified as a Variant of Uncertain Significance. Algorithms developed to predict the effect of missense changes on protein structure and function output the following: SIFT: "Tolerated"; PolyPhen-2: "Probably Damaging"; Align-GVGD: "Class C0". The glutamic acid amino acid residue is found in multiple mammalian species, suggesting that this missense change does not adversely affect protein function. These predictions have not been confirmed by published functional studies and their clinical significance is uncertain. This variant has not been reported in the literature in individuals with FBXO38-related disease. This variant is present in population databases (rs770394960, ExAC 0.003%).